The following is an entry in ClinVar:

NM_001211.6(BUB1B):c.892C>A (p.Pro298Thr)

Gene: BUB1B (BUB1 mitotic checkpoint serine/threonine kinase B; plus strand). Cytogenetic location: 15q15.1.
Variant type: single nucleotide variant.
Coding change: c.892C>A on transcript NM_001211.6 (MANE Select); coding-DNA position 892, C replaced by A.
Protein change: p.Pro298Thr; replaces proline 298 with threonine.
Molecular consequence: missense variant.
Genome position (GRCh38, 1-based): chr15:40,185,305, C>A. VCF-style: chr15-40185305-C-A. GRCh37 (hg19) VCF-style: chr15-40477506-C-A.
Other names: short protein forms P298T.
Identifiers: ClinVar variation 1765146 (VCV001765146.3), dbSNP rs756759220, ClinGen allele CA391684549.

ClinVar aggregate classification (germline): Uncertain significance (1 of 4 stars; one submission).

Conditions:
Inborn genetic diseases. Identifiers: MedGen C0950123, MeSH D030342.

Submission:

Ambry Genetics
Classification: Uncertain significance for Inborn genetic diseases. Last evaluated: 2024-04-01. Review status: criteria provided, single submitter. Criteria: Ambry Variant Classification Scheme 2023. Collection method: clinical testing. Allele origin: germline.
Comment: The p.P298T variant (also known as c.892C>A), located in coding exon 7 of the BUB1B gene, results from a C to A substitution at nucleotide position 892. The proline at codon 298 is replaced by threonine, an amino acid with highly similar properties. This amino acid position is conserved. In addition, this alteration is predicted to be tolerated by in silico analysis. Since supporting evidence is limited at this time, the clinical significance of this alteration remains unclear.